The following is an entry in ClinVar:

ClinVar aggregate classification (germline): Uncertain significance (1 of 4 stars; one submission).

Conditions:
TPP1-related disorder. Also called: TPP1-related condition.

Submission:

3billion
Classification: Uncertain significance for TPP1-related disorder. Last evaluated: 2025-07-25. Review status: criteria provided, single submitter. Criteria: ACMG Guidelines, 2015. Collection method: clinical testing. Allele origin: germline. Affected: yes.
Comment: The variant is not observed in the gnomAD v4.1.0 dataset. Predicted Consequence/Location: Missense variant In silico tool predictions suggest damaging effect of the variant on gene or gene product [REVEL: 0.98 (>=0.6, sensitivity 0.68 and specificity 0.92); 3Cnet: 0.90 (> 0.75, sensitivity 0.96 and precision 0.92)]. Therefore, this variant is classified as VUS according to the recommendation of ACMG/AMP guideline.

NM_000391.4(TPP1):c.815A>C (p.Glu272Ala)

Gene: TPP1 (tripeptidyl peptidase 1; minus strand). Cytogenetic location: 11p15.4.
Variant type: single nucleotide variant.
Coding change: c.815A>C on transcript NM_000391.4 (MANE Select); coding-DNA position 815, A replaced by C.
Protein change: p.Glu272Ala; replaces glutamic acid 272 with alanine.
Molecular consequence: missense variant.
Genome position (GRCh38, 1-based): chr11:6,616,732, T>G on the plus strand (A>C on the coding strand, the complement: TPP1 is on the minus strand). VCF-style: chr11-6616732-T-G. GRCh37 (hg19) VCF-style: chr11-6637963-T-G.
Other names: short protein forms E272A.
Identifiers: ClinVar variation 4854340 (VCV004854340.1).
Genomic context (GRCh38, chr11:6,616,732, plus strand): 5'-TAGACCCAGGTGGAGATGTTGGCACCAGCACTCATCAGGTACTGCACATCTAGACTGGCC[T>G]CAATCCCGGCCCGGCCCCGGCCCTGTTGTCCAACCACACGGGCTACTGATGCCTGATGTG-3'
Protein context (NP_000382.3, residues 262-282): GQQGRGRAGI[Glu272Ala]ASLDVQYLMS